The following is an entry in ClinVar:

ClinVar aggregate classification (germline): Uncertain significance (1 of 4 stars; one submission).

Conditions:
Nemaline myopathy 10 (NEM10). Identifiers: MedGen C4015360, MONDO:0014513, OMIM 616165.

Allele frequency attached by ClinVar (database versions not stated): gnomAD exomes below 0.00001; TOPMed below 0.00001; ExAC 0.00001.
gnomAD v4.1: 5 of 1,611,476 alleles (0.00031%); highest among the groups gnomAD compares: East Asian, 0.0022%; no homozygotes.

Submission:

Labcorp Genetics (formerly Invitae), Labcorp
Classification: Uncertain significance for Nemaline myopathy 10. Last evaluated: 2020-05-15. Review status: criteria provided, single submitter. Criteria: Invitae Variant Classification Sherloc (09022015). Collection method: clinical testing. Allele origin: germline.
Comment: In summary, the available evidence is currently insufficient to determine the role of this variant in disease. Therefore, it has been classified as a Variant of Uncertain Significance. Algorithms developed to predict the effect of missense changes on protein structure and function are either unavailable or do not agree on the potential impact of this missense change (SIFT: "Deleterious"; PolyPhen-2: "Possibly Damaging"; Align-GVGD: "Class C0"). This variant has not been reported in the literature in individuals with LMOD3-related conditions. This variant is present in population databases (rs769492984, ExAC 0.002%). This sequence change replaces arginine with tryptophan at codon 486 of the LMOD3 protein (p.Arg486Trp). The arginine residue is moderately conserved and there is a moderate physicochemical difference between arginine and tryptophan.

NM_198271.5(LMOD3):c.1456C>T (p.Arg486Trp)

Gene: LMOD3 (leiomodin 3; minus strand). Cytogenetic location: 3p14.1.
Variant type: single nucleotide variant.
Coding change: c.1456C>T on transcript NM_198271.5 (MANE Select); coding-DNA position 1456, C replaced by T.
Protein change: p.Arg486Trp; replaces arginine 486 with tryptophan.
Molecular consequence: missense variant.
Genome position (GRCh38, 1-based): chr3:69,118,899, G>A on the plus strand (C>T on the coding strand, the complement: LMOD3 is on the minus strand). VCF-style: chr3-69118899-G-A. GRCh37 (hg19) VCF-style: chr3-69168050-G-A.
Other names: c.1456C>T, p.Arg486Trp (NM_001304418.3); short protein forms R486W.
Identifiers: ClinVar variation 1051306 (VCV001051306.3), dbSNP rs769492984, ClinGen allele CA2488771.